The following is an entry in ClinVar:

ClinVar aggregate classification (germline): Uncertain significance (1 of 4 stars; one submission).

Conditions:
Hypertrophic cardiomyopathy. Also called: HYPERTROPHIC MYOCARDIOPATHY. Identifiers: Orphanet 217569, MedGen C0007194, MeSH D002312, MONDO:0005045, HP:0001639.
Primary dilated cardiomyopathy (DCM). Also called: Dilated Cardiomyopathy. Identifiers: Orphanet 217604, MedGen C0007193, MeSH D002311, MONDO:0005021, HP:0001644. Inheritance: Various modes of inheritance.

Submission:

Labcorp Genetics (formerly Invitae), Labcorp
Classification: Uncertain significance for Hypertrophic cardiomyopathy; Primary dilated cardiomyopathy. Last evaluated: 2024-08-20. Review status: criteria provided, single submitter. Criteria: Invitae Variant Classification Sherloc (09022015). Collection method: clinical testing. Allele origin: germline.
Comment: This sequence change replaces isoleucine, which is neutral and non-polar, with valine, which is neutral and non-polar, at codon 202 of the PDLIM3 protein (p.Ile202Val). This variant is not present in population databases (gnomAD no frequency). This variant has not been reported in the literature in individuals affected with PDLIM3-related conditions. Invitae Evidence Modeling of protein sequence and biophysical properties (such as structural, functional, and spatial information, amino acid conservation, physicochemical variation, residue mobility, and thermodynamic stability) indicates that this missense variant is not expected to disrupt PDLIM3 protein function with a negative predictive value of 80%. In summary, the available evidence is currently insufficient to determine the role of this variant in disease. Therefore, it has been classified as a Variant of Uncertain Significance.

NM_014476.6(PDLIM3):c.604A>G (p.Ile202Val)

Gene: PDLIM3 (PDZ and LIM domain 3; minus strand). Cytogenetic location: 4q35.1.
Variant type: single nucleotide variant.
Coding change: c.604A>G on transcript NM_014476.6 (MANE Select); coding-DNA position 604, A replaced by G.
Protein change: p.Ile202Val; replaces isoleucine 202 with valine.
Molecular consequence: missense variant. On other transcripts: intron variant (3).
Genome position (GRCh38, 1-based): chr4:185,508,357, T>C on the plus strand (A>G on the coding strand, the complement: PDLIM3 is on the minus strand). VCF-style: chr4-185508357-T-C. GRCh37 (hg19) VCF-style: chr4-186429511-T-C.
Other names: c.519-1705A>G (NM_001114107.5); c.162-1705A>G (NM_001257963.2); c.399-1705A>G (NM_001257962.2); short protein forms I202V.
Identifiers: ClinVar variation 3757769 (VCV003757769.2).